The following is an entry in ClinVar:

ClinVar aggregate classification (germline): Likely benign. Review status: criteria provided, multiple submitters, no conflicts (2 of 4 stars). 3 submissions from 3 submitters: Likely benign (3). Last evaluated 2025-08-18.

Conditions:
MPDZ-related disorder. Also called: MPDZ-related condition.

Allele frequency attached by ClinVar (database versions not stated): ExAC 0.00001; gnomAD exomes 0.00001 and 0.00002; gnomAD 0.00002 and 0.00004.
gnomAD v4.1: 14 of 1,612,706 alleles (0.00087%); highest among the groups gnomAD compares: Middle Eastern, 0.016%; no homozygotes.

Submissions (3):

PreventionGenetics, part of Exact Sciences
Classification: Likely benign for MPDZ-related condition. Last evaluated: 2025-08-18. Review status: criteria provided, single submitter. Criteria: ACMG Guidelines, 2015. Collection method: clinical testing. Allele origin: germline.
Comment: This variant is classified as likely benign based on ACMG/AMP sequence variant interpretation guidelines (Richards et al. 2015 PMID: 25741868, with internal and published modifications).

Labcorp Genetics (formerly Invitae), Labcorp
Classification: Likely benign. Last evaluated: 2025-08-03. Review status: criteria provided, single submitter. Criteria: Invitae Variant Classification Sherloc (09022015). Collection method: clinical testing. Allele origin: germline.

Breakthrough Genomics
Classification: Likely benign. Review status: criteria provided, single submitter. Criteria: ACMG Guidelines, 2015. Collection method: not provided. Allele origin: germline. Inheritance: Autosomal recessive inheritance. Affected: yes.

NM_001378778.1(MPDZ):c.1356A>G (p.Gly452=)

Gene: MPDZ (multiple PDZ domain crumbs cell polarity complex component; minus strand). Cytogenetic location: 9p23.
Variant type: single nucleotide variant.
Coding change: c.1356A>G on transcript NM_001378778.1 (MANE Select); coding-DNA position 1356, A replaced by G.
Protein change: p.Gly452=; no amino-acid change (glycine 452 retained).
Molecular consequence: synonymous variant.
Genome position (GRCh38, 1-based): chr9:13,206,034, T>C on the plus strand (A>G on the coding strand, the complement: MPDZ is on the minus strand). VCF-style: chr9-13206034-T-C. GRCh37 (hg19) VCF-style: chr9-13206033-T-C.
Other names: c.1356A>G, p.Gly452= (NM_001261406.2, NM_001261407.2, NM_001330637.2 and 14 more transcripts); c.1356A>G (NM_003829.4).
Identifiers: ClinVar variation 1156092 (VCV001156092.11), dbSNP rs780617298, ClinGen allele CA4987802.